The following is an entry in ClinVar:

ClinVar aggregate classification (germline): Likely benign (1 of 4 stars; one submission).

Conditions:
Familial intrahepatic cholestasis. Identifiers: Orphanet 284385, MedGen CN296401, MONDO:0017290.

gnomAD v4.1: 1 of 1,555,104 alleles (0.000064%); highest among the groups gnomAD compares: Non-Finnish European, 0.000087%; no homozygotes.

Submission:

Genomenon, Inc
Classification: Likely benign for Familial intrahepatic cholestasis. Last evaluated: 2026-04-14. Review status: criteria provided, single submitter. Criteria: Genomenon Sequence Variant Interpretation Standards - Updated. Collection method: curation. Allele origin: germline. Affected: no.
Comment: ABCB11 c.3210A>G is a synonymous variant that retains Lysine at residue 1070. This variant has been reported in the published literature (PMID:19642168;22795478). It is absent or not present at a significant frequency in gnomAD. This synonymous variant is not predicted to impact splicing. In conclusion, we classify ABCB11 p.Lys1070= (c.3210A>G) as a likely benign variant.

Literature cited by the submitters: PubMed 19642168; PubMed 22795478.

NM_003742.4(ABCB11):c.3210A>G (p.Lys1070=)

Gene: ABCB11 (ATP binding cassette subfamily B member 11; minus strand). Cytogenetic location: 2q31.1.
Variant type: single nucleotide variant.
Coding change: c.3210A>G on transcript NM_003742.4 (MANE Select); coding-DNA position 3210, A replaced by G.
Protein change: p.Lys1070=; no amino-acid change (lysine 1070 retained).
Molecular consequence: synonymous variant.
Genome position (GRCh38, 1-based): chr2:168,932,380, T>C on the plus strand (A>G on the coding strand, the complement: ABCB11 is on the minus strand). VCF-style: chr2-168932380-T-C. GRCh37 (hg19) VCF-style: chr2-169788890-T-C.
Identifiers: ClinVar variation 4846063 (VCV004846063.1).